The following is an entry in ClinVar:

ClinVar aggregate classification (germline): Uncertain significance. Review status: criteria provided, multiple submitters, no conflicts (2 of 4 stars). 2 submissions from 2 submitters: Uncertain significance (2). Last evaluated 2023-11-22.

Conditions:
Adams-Oliver syndrome 5 (AOS5). Identifiers: Orphanet 974, MedGen C4014970, MONDO:0014459, OMIM 616028.

Submissions (2):

Labcorp Genetics (formerly Invitae), Labcorp
Classification: Uncertain significance for Adams-Oliver syndrome 5. Last evaluated: 2023-11-22. Review status: criteria provided, single submitter. Criteria: Invitae Variant Classification Sherloc (09022015). Collection method: clinical testing. Allele origin: germline.
Comment: This sequence change replaces leucine, which is neutral and non-polar, with valine, which is neutral and non-polar, at codon 1465 of the NOTCH1 protein (p.Leu1465Val). This variant is present in population databases (rs779863069, gnomAD 0.0009%). This variant has not been reported in the literature in individuals affected with NOTCH1-related conditions. ClinVar contains an entry for this variant (Variation ID: 1300511). Advanced modeling of protein sequence and biophysical properties (such as structural, functional, and spatial information, amino acid conservation, physicochemical variation, residue mobility, and thermodynamic stability) performed at Invitae indicates that this missense variant is not expected to disrupt NOTCH1 protein function with a negative predictive value of 80%. In summary, the available evidence is currently insufficient to determine the role of this variant in disease. Therefore, it has been classified as a Variant of Uncertain Significance.

GeneDx
Classification: Uncertain significance. Last evaluated: 2021-09-15. Review status: criteria provided, single submitter. Criteria: GeneDx Variant Classification Process June 2021. Collection method: clinical testing. Allele origin: germline. Affected: yes.
Comment: Has not been previously published as pathogenic or benign to our knowledge; Not observed at significant frequency in large population cohorts (Lek et al., 2016); In silico analysis supports that this missense variant does not alter protein structure/function

NM_017617.5(NOTCH1):c.4393C>G (p.Leu1465Val)

Gene: NOTCH1 (notch receptor 1; minus strand). Cytogenetic location: 9q34.3.
Variant type: single nucleotide variant.
Coding change: c.4393C>G on transcript NM_017617.5 (MANE Select); coding-DNA position 4393, C replaced by G.
Protein change: p.Leu1465Val; replaces leucine 1465 with valine.
Molecular consequence: missense variant.
Genome position (GRCh38, 1-based): chr9:136,505,503, G>C on the plus strand (C>G on the coding strand, the complement: NOTCH1 is on the minus strand). VCF-style: chr9-136505503-G-C. GRCh37 (hg19) VCF-style: chr9-139399955-G-C.
Other names: short protein forms L1465V.
Identifiers: ClinVar variation 1300511 (VCV001300511.5), dbSNP rs779863069, ClinGen allele CA5340624.